The following is an entry in ClinVar:

NM_198253.3(TERT):c.442G>T (p.Val148Leu)

Gene: TERT (telomerase reverse transcriptase; minus strand). Cytogenetic location: 5p15.33.
Variant type: single nucleotide variant.
Coding change: c.442G>T on transcript NM_198253.3 (MANE Select); coding-DNA position 442, G replaced by T.
Protein change: p.Val148Leu; replaces valine 148 with leucine.
Molecular consequence: missense variant. On other transcripts: non-coding transcript variant (2).
Genome position (GRCh38, 1-based): chr5:1,294,444, C>A on the plus strand (G>T on the coding strand, the complement: TERT is on the minus strand). VCF-style: chr5-1294444-C-A. GRCh37 (hg19) VCF-style: chr5-1294559-C-A.
Other names: c.442G>T, p.Val148Leu (NM_001193376.3); c.442G>T (NM_198253.2); short protein forms V148L.
Identifiers: ClinVar variation 1366978 (VCV001366978.8), dbSNP rs745363596, ClinGen allele CA359058023.
Genomic context (GRCh38, chr5:1,294,444, plus strand): 5'-AGGCGCAGCTGGGAGCCACCAGCACAAAGAGCGCGCAGCGTGCCAGCAGGTGAACCAGCA[C>A]GTCGTCGCCCACGCGGCGCAGCAGCAGCCCCCACGCCCCGCTCCCCCGCAGTGCGTCGGT-3'
Protein context (NP_937983.2, residues 138-158): GLLLRRVGDD[Val148Leu]LVHLLARCAL

ClinVar aggregate classification (germline): Uncertain significance. Review status: criteria provided, multiple submitters, no conflicts (2 of 4 stars). 3 submissions from 3 submitters: Uncertain significance (3). Last evaluated 2026-07-18.

Conditions:
Dyskeratosis congenita, autosomal dominant 2. Identifiers: MedGen C3151443, MONDO:0013521, OMIM 613989.
Idiopathic Pulmonary Fibrosis. Also called: Idiopathic fibrosing alveolitis, chronic form; idiopathic fibrosing alveolitis. Identifiers: Orphanet 2032, MedGen C1800706, MeSH D054990, MONDO:0800504.
Dyskeratosis congenita. Identifiers: Orphanet 1775, MedGen C0265965, MONDO:0015780.

gnomAD v4.1: 4 of 1,592,316 alleles (0.00025%); highest among the groups gnomAD compares: Non-Finnish European, 0.00034%; no homozygotes.

Submissions (3):

Ambry Genetics
Classification: Uncertain significance for Dyskeratosis congenita. Last evaluated: 2026-07-18. Review status: criteria provided, single submitter. Criteria: Ambry Variant Classification Scheme 2023. Collection method: clinical testing. Allele origin: germline.
Comment: The p.V148L variant (also known as c.442G>T), located in coding exon 2 of the TERT gene, results from a G to T substitution at nucleotide position 442. The valine at codon 148 is replaced by leucine, an amino acid with highly similar properties. This amino acid position is conserved. In addition, this alteration is predicted to be tolerated by in silico analysis. Based on the available evidence, the clinical significance of this variant remains unclear.

Blueprint Genetics
Classification: Uncertain significance. Last evaluated: 2024-02-13. Review status: criteria provided, single submitter. Criteria: ACMG Guidelines, 2015. Collection method: clinical testing. Allele origin: germline.

Labcorp Genetics (formerly Invitae), Labcorp
Classification: Uncertain significance for Dyskeratosis congenita, autosomal dominant 2; Idiopathic Pulmonary Fibrosis. Last evaluated: 2021-10-17. Review status: criteria provided, single submitter. Criteria: Invitae Variant Classification Sherloc (09022015). Collection method: clinical testing. Allele origin: germline.
Comment: This sequence change replaces valine with leucine at codon 148 of the TERT protein (p.Val148Leu). The valine residue is moderately conserved and there is a small physicochemical difference between valine and leucine. This variant is not present in population databases (ExAC no frequency). This variant has not been reported in the literature in individuals affected with TERT-related conditions. Advanced modeling of protein sequence and biophysical properties (such as structural, functional, and spatial information, amino acid conservation, physicochemical variation, residue mobility, and thermodynamic stability) performed at Invitae indicates that this missense variant is not expected to disrupt TERT protein function. In summary, the available evidence is currently insufficient to determine the role of this variant in disease. Therefore, it has been classified as a Variant of Uncertain Significance.